The following is an entry in ClinVar:

ClinVar aggregate classification (germline): Pathogenic (1 of 4 stars; one submission).

Conditions:
Hereditary cancer-predisposing syndrome. Also called: Neoplastic Syndromes, Hereditary; Tumor predisposition; Hereditary Cancer Syndrome; Hereditary neoplastic syndrome. Identifiers: Orphanet 140162, MedGen C0027672, MeSH D009386, MONDO:0015356.

Submission:

Ambry Genetics
Classification: Pathogenic for Hereditary cancer-predisposing syndrome. Last evaluated: 2026-03-16. Review status: criteria provided, single submitter. Criteria: Ambry Variant Classification Scheme 2023. Collection method: clinical testing. Allele origin: germline.
Comment: The c.79_85delCAGTCCC pathogenic mutation, located in coding exon 1 of the CHEK2 gene, results from a deletion of 7 nucleotides at nucleotide positions 79 to 85, causing a translational frameshift with a predicted alternate stop codon (p.Q27Kfs*32). This variant is considered to be rare based on population cohorts in the Genome Aggregation Database (gnomAD). This alteration is expected to result in loss of function by premature protein truncation or nonsense-mediated mRNA decay. As such, this alteration is interpreted as a disease-causing mutation.

NM_007194.4(CHEK2):c.79_85del (p.Gln27fs)

Gene: CHEK2 (checkpoint kinase 2; minus strand). Cytogenetic location: 22q12.1.
Variant type: Deletion.
Coding change: c.79_85del on transcript NM_007194.4 (MANE Select); coding-DNA positions 79 to 85, 7 bases deleted (CAGTCCC; older notation c.79_85delCAGTCCC).
Protein change: p.Gln27fs; shifts the reading frame from glutamine 27.
Molecular consequence: frameshift variant. On other transcripts: 5 prime UTR variant (1), intron variant (1).
Genome position (GRCh38, 1-based): chr22:28,734,637-28,734,643, GGGACTG deleted on the plus strand (CAGTCCC on the coding strand, the reverse complement: CHEK2 is on the minus strand); deleting any 7 consecutive bases within chr22:28,734,637-28,734,645 gives the same sequence; the c. name uses the placement nearest the transcript's 3' end. VCF-style (leftmost placement, unchanged base first): chr22-28734636-TGGGACTG-T. GRCh37 (hg19) VCF-style: chr22-29130624-TGGGACTG-T.
Other names: c.79_85del, p.Gln27fs (NM_001005735.3, NM_001349956.3, NM_001438293.1 and 3 more transcripts); c.-699_-693del (NM_001257387.3); c.-345+7126_-345+7132del (NM_001437942.1); short protein forms Q27fs.
Identifiers: ClinVar variation 4868921 (VCV004868921.1).